The following is an entry in ClinVar:

ClinVar aggregate classification (germline): Benign (1 of 4 stars; one submission).

Allele frequency attached by ClinVar (database versions not stated): TOPMed 0.11555; 1000 Genomes Project 30x 0.12289.
gnomAD v4.1: 24,221 of 922,978 alleles (2.6%); highest among the groups gnomAD compares: African/African-American, 36%; 3,946 homozygotes.

Submission:

GeneDx
Classification: Benign. Last evaluated: 2018-06-14. Review status: criteria provided, single submitter. Criteria: GeneDx Variant Classification (06012015). Collection method: clinical testing. Allele origin: germline. Affected: yes.
Comment: This variant is considered likely benign or benign based on one or more of the following criteria: it is a conservative change, it occurs at a poorly conserved position in the protein, it is predicted to be benign by multiple in silico algorithms, and/or has population frequency not consistent with disease.

NM_032119.4(ADGRV1):c.11941-96C>A

Gene: ADGRV1 (adhesion G protein-coupled receptor V1; plus strand). Cytogenetic location: 5q14.3.
Variant type: single nucleotide variant.
Coding change: c.11941-96C>A on transcript NM_032119.4 (MANE Select); 96 bases into the intron before coding-DNA position 11941, C replaced by A.
Molecular consequence: intron variant.
Genome position (GRCh38, 1-based): chr5:90,759,313, C>A. VCF-style: chr5-90759313-C-A. GRCh37 (hg19) VCF-style: chr5-90055130-C-A.
Identifiers: ClinVar variation 676396 (VCV000676396.1), dbSNP rs76883417, ClinGen allele CA122799551.